The following is an entry in ClinVar:

NM_003036.4(SKI):c.1315G>T (p.Val439Phe)

Gene: SKI (SKI proto-oncogene; plus strand). Cytogenetic location: 1p36.32.
Variant type: single nucleotide variant.
Coding change: c.1315G>T on transcript NM_003036.4 (MANE Select); coding-DNA position 1315, G replaced by T.
Protein change: p.Val439Phe; replaces valine 439 with phenylalanine.
Molecular consequence: missense variant.
Genome position (GRCh38, 1-based): chr1:2,303,943, G>T. VCF-style: chr1-2303943-G-T. GRCh37 (hg19) VCF-style: chr1-2235382-G-T.
Other names: short protein forms V439F.
Identifiers: ClinVar variation 571509 (VCV000571509.12), dbSNP rs575093513, ClinGen allele CA536671.

ClinVar aggregate classification (germline): Uncertain significance. Review status: criteria provided, multiple submitters, no conflicts (2 of 4 stars). 3 submissions from 3 submitters: Uncertain significance (3). Last evaluated 2024-07-15.

Conditions:
Shprintzen-Goldberg syndrome (SGS). Also called: SHPRINTZEN-GOLDBERG CRANIOSYNOSTOSIS SYNDROME; CRANIOSYNOSTOSIS WITH ARACHNODACTYLY AND ABDOMINAL HERNIAS; Marfanoid disorder with craniosynostosis type 1; Marfanoid craniosynostosis syndrome; Shprintzen-Goldberg marfanoid syndrome. Identifiers: Orphanet 2462, MedGen C1321551, MONDO:0008426, OMIM 182212.
Familial thoracic aortic aneurysm and aortic dissection (TAAD). Also called: Thoracic aortic aneurysms and dissections. Identifiers: Orphanet 91387, MedGen C4707243, MONDO:0019625.

Allele frequency attached by ClinVar (database versions not stated): TOPMed 0.00002; 1000 Genomes Project 30x 0.00016; 1000 Genomes Project 0.00020.
gnomAD v4.1: 7 of 1,611,718 alleles (0.00043%); highest among the groups gnomAD compares: East Asian, 0.0089%; no homozygotes.

Submissions (3):

GeneDx
Classification: Uncertain significance. Last evaluated: 2024-07-15. Review status: criteria provided, single submitter. Criteria: GeneDx Variant Classification Process June 2021. Collection method: clinical testing. Allele origin: germline. Affected: yes.
Comment: Has not been previously published as pathogenic or benign to our knowledge; In silico analysis indicates that this missense variant does not alter protein structure/function

Ambry Genetics
Classification: Uncertain significance for Familial thoracic aortic aneurysm and aortic dissection. Last evaluated: 2022-08-03. Review status: criteria provided, single submitter. Criteria: Ambry Variant Classification Scheme 2023. Collection method: clinical testing. Allele origin: germline.
Comment: The p.V439F variant (also known as c.1315G>T), located in coding exon 4 of the SKI gene, results from a G to T substitution at nucleotide position 1315. The valine at codon 439 is replaced by phenylalanine, an amino acid with highly similar properties. This amino acid position is conserved. In addition, the in silico prediction for this alteration is inconclusive. Since supporting evidence is limited at this time, the clinical significance of this alteration remains unclear.

Labcorp Genetics (formerly Invitae), Labcorp
Classification: Uncertain significance for Shprintzen-Goldberg syndrome. Last evaluated: 2018-06-04. Review status: criteria provided, single submitter. Criteria: Invitae Variant Classification Sherloc (09022015). Collection method: clinical testing. Allele origin: germline.
Comment: This variant is present in population databases (rs575093513, ExAC 0.02%). This sequence change replaces valine with phenylalanine at codon 439 of the SKI protein (p.Val439Phe). The valine residue is moderately conserved and there is a small physicochemical difference between valine and phenylalanine. This variant has not been reported in the literature in individuals with SKI-related disease. In summary, the available evidence is currently insufficient to determine the role of this variant in disease. Therefore, it has been classified as a Variant of Uncertain Significance. Algorithms developed to predict the effect of missense changes on protein structure and function are either unavailable or do not agree on the potential impact of this missense change (SIFT: "Deleterious"; PolyPhen-2: "Benign"; Align-GVGD: "Class C0").